The following is an entry in ClinVar:

ClinVar aggregate classification (germline): Uncertain significance. Review status: criteria provided, multiple submitters, no conflicts (2 of 4 stars). 4 submissions from 4 submitters: Uncertain significance (4). Last evaluated 2026-08-06.

Conditions:
POLE-related polyposis and colorectal cancer syndrome. Identifiers: MedGen CN324030, MONDO:0100287.
Hereditary cancer-predisposing syndrome. Also called: Hereditary Cancer Syndrome; Tumor predisposition; Hereditary neoplastic syndrome; Neoplastic Syndromes, Hereditary. Identifiers: Orphanet 140162, MedGen C0027672, MeSH D009386, MONDO:0015356.
Colorectal cancer, susceptibility to, 12 (CRCS12). Also called: COLORECTAL CANCER, SUSCEPTIBILITY TO, ON CHROMOSOME 12q24. Identifiers: Orphanet 220460, MedGen C3554460, MONDO:0014038, OMIM 615083.

Submissions (4):

OLLIN Analises Genomicas, OLLIN
Classification: Uncertain significance for Colorectal cancer, susceptibility to, 12. Last evaluated: 2026-08-06. Review status: criteria provided, single submitter. Criteria: ACMG Guidelines 2015 PMID 25741868. Collection method: clinical testing. Allele origin: germline. Inheritance: Autosomal recessive inheritance.
Comment: This missense variant, located in exon 45 (of 49), is absent from gnomAD and has not been identified in the literature. However, it has been reported in ClinVar (accession VCV000540623.9). In silico analysis is inconclusive regarding the impact of this variant. According to the currently available evidence, this variant has been classified as uncertain significance (PM2_P).

Ambry Genetics
Classification: Uncertain significance for Hereditary cancer-predisposing syndrome. Last evaluated: 2026-07-07. Review status: criteria provided, single submitter. Criteria: Ambry Variant Classification Scheme 2023. Collection method: clinical testing. Allele origin: germline.
Comment: The p.K2069E variant (also known as c.6205A>G), located in coding exon 45 of the POLE gene, results from an A to G substitution at nucleotide position 6205. The lysine at codon 2069 is replaced by glutamic acid, an amino acid with similar properties. This nucleotide position is highly conserved in available vertebrate species. This amino acid position is highly conserved in available vertebrate species. In silico splice site analysis predicts that this alteration may result in the creation or strengthening of a novel splice acceptor site. RNA studies have demonstrated that this variant results in an incomplete splice defect; the clinical impact of this abnormal splicing is unknown at this time (Ambry internal data). In addition, the in silico prediction for this missense alteration is inconclusive. Based on the available evidence, the clinical significance of this variant remains unclear.

Dasa
Classification: Uncertain significance for POLE-related polyposis and colorectal cancer syndrome. Last evaluated: 2025-10-02. Review status: criteria provided, single submitter. Criteria: DASA Assertion Criteria. Collection method: clinical testing. Allele origin: germline.
Comment: NM_006231.4(POLE):c.6205A>G (p.Lys2069Glu) is a missense variant that results in the substitution of lysine with glutamic acid. This variant is absent from population databases. The currently available literature and clinical evidence are not sufficient to establish a definitive association between this variant and the reported condition. Therefore, this variant is classified as a variant of uncertain significance.

Labcorp Genetics (formerly Invitae), Labcorp
Classification: Uncertain significance. Last evaluated: 2025-03-30. Review status: criteria provided, single submitter. Criteria: Invitae Variant Classification Sherloc (09022015). Collection method: clinical testing. Allele origin: germline.
Comment: This sequence change replaces lysine, which is basic and polar, with glutamic acid, which is acidic and polar, at codon 2069 of the POLE protein (p.Lys2069Glu). RNA analysis indicates that this missense change induces altered splicing and may result in an absent or altered protein product. This variant is not present in population databases (gnomAD no frequency). This variant has not been reported in the literature in individuals affected with POLE-related conditions. ClinVar contains an entry for this variant (Variation ID: 540623). Invitae Evidence Modeling of protein sequence and biophysical properties (such as structural, functional, and spatial information, amino acid conservation, physicochemical variation, residue mobility, and thermodynamic stability) indicates that this missense variant is not expected to disrupt POLE protein function with a negative predictive value of 80%. Studies have shown that this missense change results in activation of a cryptic splice site, and produces a non-functional protein and/or introduces a premature termination codon (internal data). In summary, the available evidence is currently insufficient to determine the role of this variant in disease. Therefore, it has been classified as a Variant of Uncertain Significance.

NM_006231.4(POLE):c.6205A>G (p.Lys2069Glu)

Gene: POLE (DNA polymerase epsilon, catalytic subunit; minus strand). Cytogenetic location: 12q24.33.
Variant type: single nucleotide variant.
Coding change: c.6205A>G on transcript NM_006231.4 (MANE Select); coding-DNA position 6205, A replaced by G.
Protein change: p.Lys2069Glu; replaces lysine 2069 with glutamic acid.
Molecular consequence: missense variant.
Genome position (GRCh38, 1-based): chr12:132,632,440, T>C on the plus strand (A>G on the coding strand, the complement: POLE is on the minus strand). VCF-style: chr12-132632440-T-C. GRCh37 (hg19) VCF-style: chr12-133209026-T-C.
Other names: c.6205A>G (NM_006231.2); short protein forms K2069E.
Identifiers: ClinVar variation 540623 (VCV000540623.12), dbSNP rs1555220903, ClinGen allele CA387369726.